The following is an entry in ClinVar:

ClinVar aggregate classification (germline): Uncertain significance (1 of 4 stars; one submission).

Conditions:
Epidermolysis bullosa simplex 3, localized or generalized intermediate, with BP230 deficiency (EBS3). Also called: Epidermolysis bullosa simplex, autosomal recessive 2; Epidermolysis bullosa simplex due to BP230 deficiency. Identifiers: Orphanet 412181, MedGen C3809470, MONDO:0014180, OMIM 615425.
Hereditary sensory and autonomic neuropathy type 6. Also called: Neuropathy, hereditary sensory and autonomic, type VI; HSAN VI. Identifiers: Orphanet 314381, MedGen C3539003, MONDO:0013839, OMIM 614653.

Allele frequency attached by ClinVar (database versions not stated): gnomAD exomes below 0.00001 and 0.00001.
gnomAD v4.1: 4 of 1,613,972 alleles (0.00025%); highest among the groups gnomAD compares: Non-Finnish European, 0.00034%; no homozygotes.

Submission:

Labcorp Genetics (formerly Invitae), Labcorp
Classification: Uncertain significance for Epidermolysis bullosa simplex 3, localized or generalized intermediate, with BP230 deficiency; Hereditary sensory and autonomic neuropathy type 6. Last evaluated: 2020-03-05. Review status: criteria provided, single submitter. Criteria: Invitae Variant Classification Sherloc (09022015). Collection method: clinical testing. Allele origin: germline.
Comment: This variant has not been reported in the literature in individuals with DST-related conditions. In summary, the available evidence is currently insufficient to determine the role of this variant in disease. Therefore, it has been classified as a Variant of Uncertain Significance. Experimental studies and prediction algorithms are not available or were not evaluated, and the functional significance of this variant is currently unknown. This variant is not present in population databases (ExAC no frequency). This sequence change replaces serine with asparagine at codon 5050 of the DST protein (p.Ser5050Asn). The serine residue is highly conserved and there is a small physicochemical difference between the two amino acids. The DST gene has multiple clinically relevant transcripts. This variant occurs in alternate transcript NM_015548.4, and corresponds to NM_001723.5:c.*155282G>A in the primary transcript.

NM_001374736.1(DST):c.23090G>A (p.Ser7697Asn)

Gene: DST (dystonin; minus strand). Cytogenetic location: 6p12.1.
Variant type: single nucleotide variant.
Coding change: c.23090G>A on transcript NM_001374736.1 (MANE Select); coding-DNA position 23090, G replaced by A.
Protein change: p.Ser7697Asn; replaces serine 7697 with asparagine.
Molecular consequence: missense variant.
Genome position (GRCh38, 1-based): chr6:56,460,235, C>T on the plus strand (G>A on the coding strand, the complement: DST is on the minus strand). VCF-style: chr6-56460235-C-T. GRCh37 (hg19) VCF-style: chr6-56325033-C-T.
Other names: c.16661G>A, p.Ser5554Asn (NM_001144769.5); c.16247G>A, p.Ser5416Asn (NM_001144770.2); c.23018G>A, p.Ser7673Asn (NM_001374722.1); c.22019G>A, p.Ser7340Asn (NM_001374729.1); c.15761G>A, p.Ser5254Asn (NM_001374730.1); c.23045G>A, p.Ser7682Asn (NM_001374734.1); c.16109G>A, p.Ser5370Asn (NM_001386100.1); c.15149G>A, p.Ser5050Asn (NM_015548.5); and 1 more; short protein forms S5254N, S5376N, S7673N, S5554N, S7682N, S7697N, S5050N, S5370N.
Identifiers: ClinVar variation 1043620 (VCV001043620.7), dbSNP rs1337269536, ClinGen allele CA364503862.